The following is an entry in ClinVar:

ClinVar aggregate classification (germline): Uncertain significance (1 of 4 stars; one submission).

Conditions:
Inborn genetic diseases. Identifiers: MedGen C0950123, MeSH D030342.

gnomAD v4.1: 3 of 1,614,218 alleles (0.00019%); no homozygotes.

Submission:

Ambry Genetics
Classification: Uncertain significance for Inborn genetic diseases. Last evaluated: 2025-05-29. Review status: criteria provided, single submitter. Criteria: Ambry Variant Classification Scheme 2023. Collection method: clinical testing. Allele origin: germline.
Comment: The p.H1010R variant (also known as c.3029A>G), located in coding exon 13 of the BMPR2 gene, results from an A to G substitution at nucleotide position 3029. The histidine at codon 1010 is replaced by arginine, an amino acid with highly similar properties. This amino acid position is conserved. In addition, this alteration is predicted to be tolerated by in silico analysis. Based on the available evidence, the clinical significance of this variant remains unclear.

NM_001204.7(BMPR2):c.3029A>G (p.His1010Arg)

Gene: BMPR2 (bone morphogenetic protein receptor type 2; plus strand). Cytogenetic location: 2q33.2.
Variant type: single nucleotide variant.
Coding change: c.3029A>G on transcript NM_001204.7 (MANE Select); coding-DNA position 3029, A replaced by G.
Protein change: p.His1010Arg; replaces histidine 1010 with arginine.
Molecular consequence: missense variant.
Genome position (GRCh38, 1-based): chr2:202,559,858, A>G. VCF-style: chr2-202559858-A-G. GRCh37 (hg19) VCF-style: chr2-203424581-A-G.
Other names: short protein forms H1010R.
Identifiers: ClinVar variation 3992206 (VCV003992206.1).
Genomic context (GRCh38, chr2:202,559,858, plus strand): 5'-TCATCTCCACTGAATCGCTGGACTGTGAAGTCAACAATAATGGCAGTAACAGGGCAGTTC[A>G]TTCCAAATCCAGCACTGCTGTTTACCTTGCAGAAGGAGGCACTGCTACAACCATGGTGTC-3'
Protein context (NP_001195.2, residues 1000-1020): VNNNGSNRAV[His1010Arg]SKSSTAVYLA